The following is an entry in ClinVar:

ClinVar aggregate classification (germline): Likely pathogenic (1 of 4 stars; one submission).

Conditions:
Familial thoracic aortic aneurysm and aortic dissection (TAAD). Also called: Thoracic aortic aneurysms and dissections. Identifiers: Orphanet 91387, MedGen C4707243, MONDO:0019625.

Submission:

Ambry Genetics
Classification: Likely pathogenic for Familial thoracic aortic aneurysm and aortic dissection. Last evaluated: 2017-12-05. Review status: criteria provided, single submitter. Criteria: Ambry Variant Classification Scheme 2023. Collection method: clinical testing. Allele origin: germline.
Comment: The p.C1402R variant (also known as c.4204T>C), located in coding exon 33 of the FBN1 gene, results from a T to C substitution at nucleotide position 4204. The cysteine at codon 1402 is replaced by arginine, an amino acid with highly dissimilar properties, and is located in the cb EGF-like #19 domain. The majority of FBN1 mutations identified to date have involved the substitution or generation of cysteine residues within cbEGF domains (Vollbrandt T et al. J Biol Chem. 2004;279(31):32924-32931). This alteration has been detected in patients with Marfan syndrome, including one reported de novo case (Arbustini E et al. Hum. Mutat., 2005 Nov;26:494; Pees C et al. Clin. Genet., 2014 Dec;86:552-7). In addition, alternate amino acid substitutions at this position, p.C1402Y and p.C1402W, have also been reported in individuals with Marfan syndrome (Schrijver I et al. Am. J. Hum. Genet., 1999 Oct;65:1007-20; Comeglio P et al. Hum. Mutat., 2001 Dec;18:546-7). Based on internal structural assessment, these alterations eliminate a structurally critical disulfide bond in cbEGF domain #19. This amino acid position is highly conserved in available vertebrate species. In addition, this alteration is predicted to be deleterious by in silico analysis.Based on the majority of available evidence to date, this variant is likely to be pathogenic.

Literature cited by the submitters: PubMed 10486319; PubMed 11748851; PubMed 16222657; PubMed 24199744.

NM_000138.5(FBN1):c.4204T>C (p.Cys1402Arg)

Gene: FBN1 (fibrillin 1; minus strand). Cytogenetic location: 15q21.1.
Variant type: single nucleotide variant.
Coding change: c.4204T>C on transcript NM_000138.5 (MANE Select); coding-DNA position 4204, T replaced by C.
Protein change: p.Cys1402Arg; replaces cysteine 1402 with arginine.
Molecular consequence: missense variant.
Genome position (GRCh38, 1-based): chr15:48,474,261, A>G on the plus strand (T>C on the coding strand, the complement: FBN1 is on the minus strand). VCF-style: chr15-48474261-A-G. GRCh37 (hg19) VCF-style: chr15-48766458-A-G.
Other names: c.4204T>C, p.Cys1402Arg (NM_001406716.1); short protein forms C1402R.
Identifiers: ClinVar variation 1738683 (VCV001738683.2), dbSNP rs2141279646, ClinGen allele CA392319901.